The following is an entry in ClinVar:

ClinVar aggregate classification (germline): Conflicting classifications of pathogenicity. Review status: criteria provided, conflicting classifications (1 of 4 stars). 3 submissions from 3 submitters: Uncertain significance (1); Likely benign (1). 1 of the submissions does not count toward it. Last evaluated 2026-01-25.

Conditions:
EPS8L2-related disorder. Also called: EPS8L2-related condition.

Allele frequency attached by ClinVar (database versions not stated): 1000 Genomes Project 0.00020; 1000 Genomes Project 30x 0.00047; TOPMed 0.00115; ExAC 0.00116; ESP Exome Variant Server 0.00130; gnomAD 0.00138 and 0.00140.

Submissions (3):

Labcorp Genetics (formerly Invitae), Labcorp
Classification: Likely benign. Last evaluated: 2026-01-25. Review status: criteria provided, single submitter. Criteria: Invitae Variant Classification Sherloc (09022015). Collection method: clinical testing. Allele origin: germline.

Blueprint Genetics
Classification: Uncertain significance. Last evaluated: 2024-11-25. Review status: criteria provided, single submitter. Criteria: ACMG Guidelines, 2015. Collection method: clinical testing. Allele origin: germline.

PreventionGenetics, part of Exact Sciences
Classification: Likely benign for EPS8L2-related condition. Last evaluated: 2022-04-07. Review status: no assertion criteria provided. Collection method: clinical testing. Allele origin: germline. Not counted in ClinVar's aggregate classification.
Comment: This variant is classified as likely benign based on ACMG/AMP sequence variant interpretation guidelines (Richards et al. 2015 PMID: 25741868, with internal and published modifications).

NM_022772.4(EPS8L2):c.616G>T (p.Ala206Ser)

Genes: EPS8L2 (EPS8 signaling adaptor L2; plus strand), LOC130005078 (ATAC-STARR-seq lymphoblastoid silent region 3018; plus strand). Cytogenetic location: 11p15.5.
Variant type: single nucleotide variant.
Coding change: c.616G>T on transcript NM_022772.4 (MANE Select); coding-DNA position 616, G replaced by T.
Protein change: p.Ala206Ser; replaces alanine 206 with serine.
Molecular consequence: missense variant.
Genome position (GRCh38, 1-based): chr11:721,122, G>T. VCF-style: chr11-721122-G-T. GRCh37 (hg19) VCF-style: chr11-721122-G-T.
Other names: c.616G>T (NM_022772.3); short protein forms A206S.
Identifiers: ClinVar variation 1534968 (VCV001534968.11), dbSNP rs201479451, ClinGen allele CA5787222.